The following is an entry in ClinVar:

NM_031885.5(BBS2):c.2087C>T (p.Thr696Ile)

Gene: BBS2 (Bardet-Biedl syndrome 2; minus strand). Cytogenetic location: 16q13.
Variant type: single nucleotide variant.
Coding change: c.2087C>T on transcript NM_031885.5 (MANE Select); coding-DNA position 2087, C replaced by T.
Protein change: p.Thr696Ile; replaces threonine 696 with isoleucine.
Molecular consequence: missense variant. On other transcripts: non-coding transcript variant (5).
Genome position (GRCh38, 1-based): chr16:56,484,840, G>A on the plus strand (C>T on the coding strand, the complement: BBS2 is on the minus strand). VCF-style: chr16-56484840-G-A. GRCh37 (hg19) VCF-style: chr16-56518752-G-A.
Other names: c.2087C>T (NM_031885.3); c.2087C>T, p.Thr696Ile (NM_001377456.1); short protein forms T696I.
Identifiers: ClinVar variation 1448782 (VCV001448782.4), dbSNP rs780369177, ClinGen allele CA8065524.
Genomic context (GRCh38, chr16:56,484,840, plus strand): 5'-ACTCGCATGATTTTGAACAGTGTGTTGATGTTATTGCTTCGAATTGCATCCCGACAAGCA[G>A]TGATCACCTGGTTCTTTGGTTTTCCAACTGCATAAGAAGAAACATCAGGAACCAAAAGAT-3'
Protein context (NP_114091.4, residues 686-706): RVGKPKNQVI[Thr696Ile]ACRDAIRSNN

ClinVar aggregate classification (germline): Uncertain significance. Review status: criteria provided, multiple submitters, no conflicts (2 of 4 stars). 2 submissions from 2 submitters: Uncertain significance (2). Last evaluated 2025-12-22.

Conditions:
BBS2-related disorder. Also called: BBS2-related disorders; BBS2-related condition. Identifiers: MedGen CN239228.
Bardet-Biedl syndrome (BBS). Identifiers: Orphanet 110, MedGen C0752166, MONDO:0015229.

Allele frequency attached by ClinVar (database versions not stated): gnomAD exomes below 0.00001; TOPMed below 0.00001; ExAC 0.00001; gnomAD 0.00001.
gnomAD v4.1: 4 of 1,613,932 alleles (0.00025%); highest among the groups gnomAD compares: African/African-American, 0.0053%; no homozygotes.

Submissions (2):

PreventionGenetics, part of Exact Sciences
Classification: Uncertain significance for BBS2-related condition. Last evaluated: 2025-12-22. Review status: criteria provided, single submitter. Criteria: ACMG Guidelines, 2015. Collection method: clinical testing. Allele origin: germline.
Comment: The BBS2 c.2087C>T variant is predicted to result in the amino acid substitution p.Thr696Ile. To our knowledge, this variant has not been reported in the literature. This variant is reported in 0.0062% of alleles in individuals of African descent in gnomAD. At this time, the clinical significance of this variant is uncertain due to the absence of conclusive functional and genetic evidence.

Labcorp Genetics (formerly Invitae), Labcorp
Classification: Uncertain significance for Bardet-Biedl syndrome. Last evaluated: 2021-10-13. Review status: criteria provided, single submitter. Criteria: Invitae Variant Classification Sherloc (09022015). Collection method: clinical testing. Allele origin: germline.
Comment: This sequence change replaces threonine with isoleucine at codon 696 of the BBS2 protein (p.Thr696Ile). The threonine residue is moderately conserved and there is a moderate physicochemical difference between threonine and isoleucine. This variant is present in population databases (rs780369177, ExAC 0.01%). This variant has not been reported in the literature in individuals affected with BBS2-related conditions. Algorithms developed to predict the effect of missense changes on protein structure and function (SIFT, PolyPhen-2, Align-GVGD) all suggest that this variant is likely to be tolerated. In summary, the available evidence is currently insufficient to determine the role of this variant in disease. Therefore, it has been classified as a Variant of Uncertain Significance.